The following is an entry in ClinVar:

ClinVar aggregate classification (germline): Uncertain significance (1 of 4 stars; one submission).

gnomAD v4.1: 1 of 1,609,416 alleles (0.000062%); highest among the groups gnomAD compares: Admixed American, 0.0017%; no homozygotes.

Submission:

Labcorp Genetics (formerly Invitae), Labcorp
Classification: Uncertain significance. Last evaluated: 2025-12-23. Review status: criteria provided, single submitter. Criteria: Invitae Variant Classification Sherloc (09022015). Collection method: clinical testing. Allele origin: germline.
Comment: This sequence change replaces threonine, which is neutral and polar, with alanine, which is neutral and non-polar, at codon 966 of the DIAPH3 protein (p.Thr966Ala). This variant is not present in population databases (gnomAD no frequency). This variant has not been reported in the literature in individuals affected with DIAPH3-related conditions. An algorithm developed to predict the effect of missense changes on protein structure and function (PolyPhen-2) suggests that this variant is likely to be tolerated. In summary, the available evidence is currently insufficient to determine the role of this variant in disease. Therefore, it has been classified as a Variant of Uncertain Significance.

NM_001042517.2(DIAPH3):c.2896A>G (p.Thr966Ala)

Gene: DIAPH3 (diaphanous related formin 3; minus strand). Cytogenetic location: 13q21.2.
Variant type: single nucleotide variant.
Coding change: c.2896A>G on transcript NM_001042517.2 (MANE Select); coding-DNA position 2896, A replaced by G.
Protein change: p.Thr966Ala; replaces threonine 966 with alanine.
Molecular consequence: missense variant.
Genome position (GRCh38, 1-based): chr13:59,833,238, T>C on the plus strand (A>G on the coding strand, the complement: DIAPH3 is on the minus strand). VCF-style: chr13-59833238-T-C. GRCh37 (hg19) VCF-style: chr13-60407372-T-C.
Other names: c.2863A>G, p.Thr955Ala (NM_001258366.2); c.2758A>G, p.Thr920Ala (NM_001258367.2); c.2686A>G, p.Thr896Ala (NM_001258368.2); c.2896A>G, p.Thr966Ala (NM_001258369.2); c.2107A>G, p.Thr703Ala (NM_030932.4); short protein forms T896A, T955A, T966A, T703A, T920A.
Identifiers: ClinVar variation 4695251 (VCV004695251.1).